The following is an entry in ClinVar:

ClinVar aggregate classification (germline): Uncertain significance. Review status: criteria provided, multiple submitters, no conflicts (2 of 4 stars). 2 submissions from 2 submitters: Uncertain significance (2). Last evaluated 2023-06-05.

Conditions:
Inborn genetic diseases. Identifiers: MedGen C0950123, MeSH D030342.

Allele frequency attached by ClinVar (database versions not stated): gnomAD exomes below 0.00001; ExAC 0.00002.
gnomAD v4.1: 4 of 1,511,816 alleles (0.00026%); highest among the groups gnomAD compares: South Asian, 0.0022%; no homozygotes.

Submissions (2):

Ambry Genetics
Classification: Uncertain significance for Inborn genetic diseases. Last evaluated: 2023-06-05. Review status: criteria provided, single submitter. Criteria: Ambry Variant Classification Scheme 2023. Collection method: clinical testing. Allele origin: germline.

Labcorp Genetics (formerly Invitae), Labcorp
Classification: Uncertain significance. Last evaluated: 2023-02-13. Review status: criteria provided, single submitter. Criteria: Invitae Variant Classification Sherloc (09022015). Collection method: clinical testing. Allele origin: germline.
Comment: This sequence change replaces serine, which is neutral and polar, with asparagine, which is neutral and polar, at codon 75 of the ATAD1 protein (p.Ser75Asn). This variant is present in population databases (rs778119962, gnomAD 0.003%). This variant has not been reported in the literature in individuals affected with ATAD1-related conditions. An algorithm developed to predict the effect of missense changes on protein structure and function (PolyPhen-2) suggests that this variant is likely to be tolerated. In summary, the available evidence is currently insufficient to determine the role of this variant in disease. Therefore, it has been classified as a Variant of Uncertain Significance.

NM_001321967.2(ATAD1):c.224G>A (p.Ser75Asn)

Gene: ATAD1 (ATPase family AAA domain containing 1; minus strand). Cytogenetic location: 10q23.31.
Variant type: single nucleotide variant.
Coding change: c.224G>A on transcript NM_001321967.2 (MANE Select); coding-DNA position 224, G replaced by A.
Protein change: p.Ser75Asn; replaces serine 75 with asparagine.
Molecular consequence: missense variant. On other transcripts: 5 prime UTR variant (1), non-coding transcript variant (1).
Genome position (GRCh38, 1-based): chr10:87,792,694, C>T on the plus strand (G>A on the coding strand, the complement: ATAD1 is on the minus strand). VCF-style: chr10-87792694-C-T. GRCh37 (hg19) VCF-style: chr10-89552451-C-T.
Other names: c.224G>A, p.Ser75Asn (NM_001321968.2, NM_032810.4); c.-224G>A (NM_001321969.2); short protein forms S75N.
Identifiers: ClinVar variation 2556679 (VCV002556679.5), dbSNP rs778119962, ClinGen allele CA5590148.